The following is an entry in ClinVar:

ClinVar aggregate classification (germline): Uncertain significance (1 of 4 stars; one submission).

Conditions:
Cystic fibrosis (CF). Also called: MUCOVISCIDOSIS. Identifiers: Orphanet 586, MedGen C0010674, MONDO:0009061, OMIM 219700. Disease mechanism: loss of function.

Submission:

Ambry Genetics
Classification: Uncertain significance for Cystic fibrosis. Last evaluated: 2024-12-13. Review status: criteria provided, single submitter. Criteria: Ambry Variant Classification Scheme 2023. Collection method: clinical testing. Allele origin: germline.
Comment: The p.N635I variant (also known as c.1904A>T), located in coding exon 14 of the CFTR gene, results from an A to T substitution at nucleotide position 1904. The asparagine at codon 635 is replaced by isoleucine, an amino acid with dissimilar properties. This amino acid position is conserved. In addition, this alteration is predicted to be tolerated by in silico analysis. Based on the available evidence, the clinical significance of this variant remains unclear.

NM_000492.4(CFTR):c.1904A>T (p.Asn635Ile)

Gene: CFTR (CF transmembrane conductance regulator; plus strand). Cytogenetic location: 7q31.2.
Variant type: single nucleotide variant.
Coding change: c.1904A>T on transcript NM_000492.4 (MANE Select); coding-DNA position 1904, A replaced by T.
Protein change: p.Asn635Ile; replaces asparagine 635 with isoleucine.
Molecular consequence: missense variant.
Genome position (GRCh38, 1-based): chr7:117,592,071, A>T. VCF-style: chr7-117592071-A-T. GRCh37 (hg19) VCF-style: chr7-117232125-A-T.
Other names: short protein forms N635I.
Identifiers: ClinVar variation 3832552 (VCV003832552.1).